The following is an entry in ClinVar:

ClinVar aggregate classification (germline): Pathogenic (3 of 4 stars; one submission).

Conditions:
Breast-ovarian cancer, familial, susceptibility to, 1 (BROVCA1). Also called: BRCA1 Hereditary Breast and Ovarian Cancer; OVARIAN CANCER, SUSCEPTIBILITY TO. Identifiers: Orphanet 145, MedGen C2676676, MONDO:0011450, OMIM 604370. Disease mechanism: loss of function.

Submission:

Evidence-based Network for the Interpretation of Germline Mutant Alleles (ENIGMA)
Classification: Pathogenic for Breast-ovarian cancer, familial, susceptibility to, 1. Last evaluated: 2017-12-15. Review status: reviewed by expert panel. Criteria: ENIGMA BRCA1/2 Classification Criteria (2017-06-29). Collection method: curation. Allele origin: germline. Study: ENIGMA.
Comment: Variant allele predicted to encode a truncated non-functional protein.

NM_007294.4(BRCA1):c.4051_4052insG (p.Leu1351fs)

Genes: BRCA1 (BRCA1 DNA repair associated; minus strand), LOC126862571 (BRD4-independent group 4 enhancer GRCh37_chr17:41243136-41244335; plus strand). Cytogenetic location: 17q21.31.
Variant type: Insertion.
Coding change: c.4051_4052insG on transcript NM_007294.4 (MANE Select); coding-DNA positions 4051 to 4052, G inserted.
Protein change: p.Leu1351fs; shifts the reading frame from leucine 1351.
Molecular consequence: frameshift variant. On other transcripts: intron variant (135).
Genome position: GRCh38 VCF-style: chr17-43091479-A-AC. GRCh37 (hg19) VCF-style: chr17-41243496-A-AC.
Other names: c.785-448_785-447insG (NM_001407972.1, NM_001408397.1, NM_001408401.1 and 13 more transcripts); c.665-448_665-447insG (NM_001408441.1, NM_001408437.1, NM_001408429.1 and 12 more transcripts); c.788-448_788-447insG (NM_001407979.1, NM_001407977.1, NM_001407982.1 and 17 more transcripts); c.647-448_647-447insG (NM_001408410.1, NM_001408458.1, NM_001408469.1 and 11 more transcripts); c.710-448_710-447insG (NM_001408415.1, NM_001408412.1, NM_001408409.1 and 2 more transcripts); c.578-448_578-447insG (NM_001408483.1, NM_001408481.1, NM_001408480.1 and 9 more transcripts); c.4051_4052insG, p.Leu1351fs (NM_001407581.1, NM_001407582.1, NM_001407583.1 and 30 more transcripts); c.4048_4049insG, p.Leu1350fs (NM_001407587.1, NM_001407590.1, NM_001407591.1 and 22 more transcripts); and 41 more; short protein forms L1351fs, L1304fs, L1183fs, L1263fs, L1280fs, L1309fs, L1310fs, L1325fs.
Identifiers: ClinVar variation 548195 (VCV000548195.2), dbSNP rs1555586564, ClinGen allele CA658825032.